The following is an entry in ClinVar:

NM_001040142.2(SCN2A):c.477-2A>G

Gene: SCN2A (sodium voltage-gated channel alpha subunit 2; plus strand). Cytogenetic location: 2q24.3.
Variant type: single nucleotide variant.
Coding change: c.477-2A>G on transcript NM_001040142.2 (MANE Select); the canonical splice acceptor site of the intron before coding-DNA position 477, A replaced by G.
Molecular consequence: splice acceptor variant.
Genome position (GRCh38, 1-based): chr2:165,308,664, A>G. VCF-style: chr2-165308664-A-G. GRCh37 (hg19) VCF-style: chr2-166165174-A-G.
Other names: c.477-2A>G (NM_001040143.2, NM_001371246.1, NM_001371247.1 and 1 more transcripts).
Identifiers: ClinVar variation 2572541 (VCV002572541.1), dbSNP rs1415376277, ClinGen allele CA349015815.

ClinVar aggregate classification (germline): Likely pathogenic (1 of 4 stars; one submission).

Conditions:
Episodic ataxia, type 9. Identifiers: MedGen C5394520, MONDO:0030064, OMIM 618924.

Allele frequency attached by ClinVar (database versions not stated): gnomAD exomes below 0.00001.
gnomAD v4.1: 1 of 1,611,094 alleles (0.000062%); highest among the groups gnomAD compares: Non-Finnish European, 0.000085%; no homozygotes.

Submission:

3billion
Classification: Likely pathogenic for Episodic ataxia, type 9. Review status: criteria provided, single submitter. Criteria: ACMG Guidelines, 2015. Collection method: clinical testing. Allele origin: unknown. Affected: yes. Observed: 1 heterozygote.
Comment: The variant is observed at an extremely low frequency in the gnomAD v2.1.1 dataset (total allele frequency: <0.001%). The variant is predicted to alter splicing and result in a loss or disruption of normal protein function. Multiple pathogenic loss-of-function variants are reported downstream of the variant. Therefore, this variant is classified as Likely pathogenic according to the recommendation of ACMG/AMP guideline.